The following is an entry in ClinVar:

ClinVar aggregate classification (germline): Uncertain significance (1 of 4 stars; one submission).

Conditions:
Congenital prothrombin deficiency. Also called: Inherited hypoprothrombinemia; Congenital factor II deficiency; Inherited prothrombin deficiency; Factor II deficiency; HYPOPROTHROMBINEMIA; Hereditary factor II deficiency disease. Identifiers: Orphanet 325, MedGen C0272317, MONDO:0013361, OMIM 613679.

Allele frequency attached by ClinVar (database versions not stated): gnomAD exomes below 0.00001; ExAC 0.00001.
gnomAD v4.1: 7 of 1,614,240 alleles (0.00043%); highest among the groups gnomAD compares: Non-Finnish European, 0.00059%; no homozygotes.

Submission:

Labcorp Genetics (formerly Invitae), Labcorp
Classification: Uncertain significance for Congenital prothrombin deficiency. Last evaluated: 2023-05-20. Review status: criteria provided, single submitter. Criteria: Invitae Variant Classification Sherloc (09022015). Collection method: clinical testing. Allele origin: germline.
Comment: In summary, the available evidence is currently insufficient to determine the role of this variant in disease. Therefore, it has been classified as a Variant of Uncertain Significance. Advanced modeling of protein sequence and biophysical properties (such as structural, functional, and spatial information, amino acid conservation, physicochemical variation, residue mobility, and thermodynamic stability) has been performed at Invitae for this missense variant, however the output from this modeling did not meet the statistical confidence thresholds required to predict the impact of this variant on F2 protein function. This variant has not been reported in the literature in individuals affected with F2-related conditions. This variant is present in population databases (rs763016866, gnomAD 0.0009%). This sequence change replaces proline, which is neutral and non-polar, with threonine, which is neutral and polar, at codon 451 of the F2 protein (p.Pro451Thr).

NM_000506.5(F2):c.1351C>A (p.Pro451Thr)

Gene: F2 (coagulation factor II, thrombin; plus strand). Cytogenetic location: 11p11.2.
Variant type: single nucleotide variant.
Coding change: c.1351C>A on transcript NM_000506.5 (MANE Select); coding-DNA position 1351, C replaced by A.
Protein change: p.Pro451Thr; replaces proline 451 with threonine.
Molecular consequence: missense variant.
Genome position (GRCh38, 1-based): chr11:46,728,716, C>A. VCF-style: chr11-46728716-C-A. GRCh37 (hg19) VCF-style: chr11-46750266-C-A.
Other names: short protein forms P451T.
Identifiers: ClinVar variation 2906676 (VCV002906676.3), dbSNP rs763016866, ClinGen allele CA5967260.
Genomic context (GRCh38, chr11:46,728,716, plus strand): 5'-CTCTGCAGGTACGAGCGAAACATTGAAAAGATATCCATGTTGGAAAAGATCTACATCCAC[C>A]CCAGGTACAACTGGCGGGAGAACCTGGACCGGGACATTGCCCTGATGAAGCTGAAGAAGC-3'
Protein context (NP_000497.1, residues 441-461): ISMLEKIYIH[Pro451Thr]RYNWRENLDR